The following is an entry in ClinVar:

NM_206933.4(USH2A):c.9815C>T (p.Pro3272Leu)

Gene: USH2A (usherin; minus strand). Cytogenetic location: 1q41.
Variant type: single nucleotide variant.
Coding change: c.9815C>T on transcript NM_206933.4 (MANE Select); coding-DNA position 9815, C replaced by T.
Protein change: p.Pro3272Leu; replaces proline 3272 with leucine.
Molecular consequence: missense variant.
Genome position (GRCh38, 1-based): chr1:215,799,050, G>A on the plus strand (C>T on the coding strand, the complement: USH2A is on the minus strand). VCF-style: chr1-215799050-G-A. GRCh37 (hg19) VCF-style: chr1-215972392-G-A.
Other names: NP_996816.3:p.(Pro3272Leu); c.9815C>T (NM_206933.3); short protein forms P3272L.
Identifiers: ClinVar variation 553424 (VCV000553424.59), dbSNP rs764182950, ClinGen allele CA1394199.
Genomic context (GRCh38, chr1:215,799,050, plus strand): 5'-TGGCCATGGCCATCATGAAGCCTCCCAGCACAGCAAATCTGGTTTCCTGAGGTGGAGTAC[G>A]GCATTCTGCCACAGCAGGAATCACCAATGCCAACAGAAACCCGATTGTGCTGTTCATCTG-3'
Protein context (NP_996816.3, residues 3262-3282): GIGDSCCGRM[Pro3272Leu]YSTSGNQICC

ClinVar aggregate classification (germline): Pathogenic/Likely pathogenic. Review status: criteria provided, multiple submitters, no conflicts (2 of 4 stars). 15 submissions from 14 submitters: Pathogenic (7); Likely pathogenic (6). 2 of the submissions do not count toward it. Last evaluated 2025-08-20.

Conditions:
Usher syndrome type 2A. Also called: USHER SYNDROME, TYPE IIA; RETINAL DISEASE IN USHER SYNDROME TYPE IIA, MODIFIER OF. Identifiers: Orphanet 231178, Orphanet 886, MedGen C1848634, MONDO:0010169, OMIM 276901.
Retinitis pigmentosa (RP). Identifiers: Orphanet 791, MedGen C0035334, MeSH D012174, MONDO:0019200, OMIM 268000. Inheritance: Autosomal dominant, autosomal recessive and X linked inheritance.
Retinitis pigmentosa 39 (RP39). Identifiers: Orphanet 791, MedGen C3151138, MONDO:0013436, OMIM 613809.
Usher syndrome. Also called: Usher Syndromes; Usher's syndrome. Identifiers: Orphanet 886, MedGen CN469326, MeSH D052245, MONDO:0019501. Disease mechanism: loss of function.
USH2A-related disorder. Also called: USH2A-related disorders; USH2A-related condition. Identifiers: MedGen CN239332.

Allele frequency attached by ClinVar (database versions not stated): gnomAD 0.00001 and 0.00003; gnomAD exomes 0.00002 and 0.00004; ExAC 0.00003.
gnomAD v4.1: 33 of 1,614,016 alleles (0.002%); highest among the groups gnomAD compares: South Asian, 0.011%; 1 homozygote.

Submissions (15):

Natera, Inc.
Classification: Pathogenic for Usher syndrome type 2A. Last evaluated: 2025-08-20. Review status: criteria provided, single submitter. Criteria: Natera Variant Classification Schema (03/2026). Collection method: clinical testing. Allele origin: germline.
Comment: The c.9815C>T variant in USH2A is a missense variant predicted to cause substitution of proline to leucine at amino acid 3272. This variant is rare in the general population with a frequency below the threshold expected for the associated phenotype(s). This variant has been observed in one or more individuals affected with the associated recessive disease, as either homozygous or compound heterozygous with a second variant (PMID: 18281613, 25425308, 25575603, 26338283, 27460420, 31387071, 31877679). Computational prediction algorithms indicate this variant is likely to affect gene or protein function. Given the available evidence, this variant is classified as Pathogenic.

PreventionGenetics, part of Exact Sciences
Classification: Pathogenic for USH2A-related condition. Last evaluated: 2025-07-02. Review status: criteria provided, single submitter. Criteria: ACMG Guidelines, 2015. Collection method: clinical testing. Allele origin: germline.
Comment: The USH2A c.9815C>T variant is predicted to result in the amino acid substitution p.Pro3272Leu. This variant was reported along with a second pathogenic variant in multiple individuals with Usher syndrome or retinitis pigmentosa (Herrera et al. 2008. PubMed ID: 18281613; Ge et al. 2015. PubMed ID: 26667666; Hettinga et al. 2016. PubMed ID: 27157150; Calzetti et al. 2018. PubMed ID: 29953849; Karali et al. 2019. PubMed ID: 31877679). This variant is reported in 0.016% of alleles in individuals of South Asian descent in gnomAD. This variant is interpreted as pathogenic.

Labcorp Genetics (formerly Invitae), Labcorp
Classification: Pathogenic. Last evaluated: 2024-11-18. Review status: criteria provided, single submitter. Criteria: Invitae Variant Classification Sherloc (09022015). Collection method: clinical testing. Allele origin: germline.
Comment: This sequence change replaces proline, which is neutral and non-polar, with leucine, which is neutral and non-polar, at codon 3272 of the USH2A protein (p.Pro3272Leu). This variant is present in population databases (rs764182950, gnomAD 0.02%). This missense change has been observed in individual(s) with USH2A-related conditions (PMID: 18281613, 25575603, 26338283, 26667666, 27157150, 29142287). In at least one individual the data is consistent with being in trans (on the opposite chromosome) from a pathogenic variant. ClinVar contains an entry for this variant (Variation ID: 553424). Invitae Evidence Modeling of protein sequence and biophysical properties (such as structural, functional, and spatial information, amino acid conservation, physicochemical variation, residue mobility, and thermodynamic stability) indicates that this missense variant is expected to disrupt USH2A protein function with a positive predictive value of 80%. For these reasons, this variant has been classified as Pathogenic.

Fulgent Genetics
Classification: Likely pathogenic for Usher syndrome type 2A; Retinitis pigmentosa 39. Last evaluated: 2024-05-29. Review status: criteria provided, single submitter. Criteria: ACMG Guidelines, 2015. Collection method: clinical testing. Allele origin: germline.

Baylor Genetics
Classification: Pathogenic for Retinitis pigmentosa 39. Last evaluated: 2024-02-06. Review status: criteria provided, single submitter. Criteria: ACMG Guidelines, 2015. Collection method: clinical testing. Allele origin: unknown.

Blueprint Genetics
Classification: Pathogenic for USH2A-related disorders. Last evaluated: 2023-12-15. Review status: criteria provided, single submitter. Criteria: ACMG Guidelines, 2015. Collection method: clinical testing. Allele origin: germline. Affected: yes. Observed: 4 variant alleles.

Genome-Nilou Lab
Classification: Likely pathogenic for Retinitis pigmentosa 39. Last evaluated: 2023-11-04. Review status: criteria provided, single submitter. Criteria: ACMG Guidelines, 2015. Collection method: clinical testing. Allele origin: germline. Affected: no.

Genome-Nilou Lab
Classification: Likely pathogenic for Usher syndrome type 2A. Last evaluated: 2023-11-04. Review status: criteria provided, single submitter. Criteria: ACMG Guidelines, 2015. Collection method: clinical testing. Allele origin: germline. Affected: no.

Ophthalmic Genetics Group, Institute of Molecular and Clinical Ophthalmology Basel
Classification: Likely pathogenic for Retinitis pigmentosa. Last evaluated: 2023-07-24. Review status: criteria provided, single submitter. Criteria: ACMG Guidelines, 2015. Collection method: research. Allele origin: germline. Affected: yes. Observed: 1 variant allele.
Comment: Clinical significance based on ACMG v2.0

This variant was classified as Likely pathogenic based on ACMG criteria: PP5, PM2, PS4.

SN ONGC Dept of Genetics and Molecular biology Vision Research Foundation
Classification: Likely pathogenic for Usher syndrome. Last evaluated: 2022-12-31. Review status: criteria provided, single submitter. Criteria: ACMG Guidelines, 2015. Collection method: research. Allele origin: unknown. Affected: yes. Observed: 2 variant alleles, 2 compound heterozygotes.

Revvity Omics, Revvity
Classification: Pathogenic. Last evaluated: 2021-11-24. Review status: criteria provided, single submitter. Criteria: ACMG Guidelines, 2015. Collection method: clinical testing. Allele origin: germline.

Broad Center for Mendelian Genomics, Broad Institute of MIT and Harvard
Classification: Likely pathogenic for Retinitis pigmentosa. Last evaluated: 2021-04-01. Review status: criteria provided, single submitter. Criteria: ACMG Guidelines, 2015. Collection method: curation. Allele origin: germline. Inheritance: Autosomal recessive inheritance. Affected: yes.
Comment: Through a review of available evidence we were able to apply the following criteria: PM2, PP3, PM3-S. Based on this evidence we have classified this variant as Likely Pathogenic. If you have any questions about the classification please reach out to the Pierce Lab.

Mendelics
Classification: Pathogenic for Usher syndrome type 2A. Last evaluated: 2019-05-28. Review status: criteria provided, single submitter. Criteria: Mendelics Assertion Criteria 2017. Collection method: clinical testing. Allele origin: unknown.

Counsyl
Classification: Likely pathogenic for Usher syndrome type 2A; Retinitis pigmentosa 39. Last evaluated: 2017-08-18. Review status: no assertion criteria provided. Collection method: clinical testing. Allele origin: unknown. Not counted in ClinVar's aggregate classification.

Joint Genome Diagnostic Labs from Nijmegen and Maastricht, Radboudumc and MUMC+
Classification: Uncertain significance for Retinitis pigmentosa 39. Last evaluated: 2016-09-01. Review status: flagged submission. Collection method: clinical testing. Allele origin: unknown. Affected: yes. Observed: 1 variant allele. Not counted in ClinVar's aggregate classification.
ClinVar note: Reason: Older and outlier claim with insufficient supporting evidence

Literature cited by the submitters: PubMed 18281613 (cited by 3 submitters); PubMed 25425308 (cited by Natera, Inc.); PubMed 25575603 (cited by 4 submitters); PubMed 26338283 (cited by 4 submitters); PubMed 27460420 (cited by 3 submitters); PubMed 31387071 (cited by Natera, Inc.); PubMed 31877679 (cited by Natera, Inc.); PubMed 26667666 (cited by Labcorp Genetics (formerly Invitae), Labcorp and Broad Center for Mendelian Genomics, Broad Institute of MIT and Harvard); PubMed 27157150 (cited by Labcorp Genetics (formerly Invitae), Labcorp and Broad Center for Mendelian Genomics, Broad Institute of MIT and Harvard); PubMed 29142287 (cited by Labcorp Genetics (formerly Invitae), Labcorp and Broad Center for Mendelian Genomics, Broad Institute of MIT and Harvard); PubMed 36909829 (cited by Ophthalmic Genetics Group, Institute of Molecular and Clinical Ophthalmology Basel); PubMed 34906470 (cited by Broad Center for Mendelian Genomics, Broad Institute of MIT and Harvard); PubMed 24944099 (cited by Broad Center for Mendelian Genomics, Broad Institute of MIT and Harvard and Counsyl); PubMed 27318125 (cited by Broad Center for Mendelian Genomics, Broad Institute of MIT and Harvard and Counsyl); PubMed 29953849 (cited by Broad Center for Mendelian Genomics, Broad Institute of MIT and Harvard); PubMed 31699113 (cited by Broad Center for Mendelian Genomics, Broad Institute of MIT and Harvard); PubMed 31370859 (cited by Broad Center for Mendelian Genomics, Broad Institute of MIT and Harvard); PubMed 31960602 (cited by Broad Center for Mendelian Genomics, Broad Institute of MIT and Harvard); PubMed 32581362 (cited by Broad Center for Mendelian Genomics, Broad Institute of MIT and Harvard).